The following is an entry in ClinVar:

ClinVar aggregate classification (germline): Uncertain significance (1 of 4 stars; one submission).

Conditions:
Iron overload, susceptibility to (IO). Identifiers: MedGen C5703292, MONDO:0859316, OMIM 620121.

gnomAD v4.1: 500 of 1,594,632 alleles (0.031%); highest among the groups gnomAD compares: South Asian, 0.45%; 7 homozygotes.

Submission:

Diagnostics Services (NGS), CSIR - Centre For Cellular And Molecular Biology
Classification: Uncertain significance for Iron overload, susceptibility to. Last evaluated: 2025-07-16. Review status: criteria provided, single submitter. Criteria: ACMG Guidelines, 2015. Collection method: clinical testing. Allele origin: unknown. Affected: yes. Observed: 1 variant allele, 1 heterozygote.
Comment: Heterozygous variants in the BMP6 gene (MIM*112266) are associated with autosomal dominant susceptibility to iron overload (MIM#620121) which is characterized by the onset of increased systemic iron levels apparent in mid-adulthood. Laboratory studies show increased serum ferritin, normal or high transferrin saturation, increased liver iron content, and inappropriately low or normal levels of hepcidin. Presence of a BMP6 mutation confers susceptibility to the disorder, but additional factors, including alcohol consumption, increased body weight, and HFE gene variants, may contribute to the severity of the manifestations [Daher et al., 2016; Piubelli et al. 2017]. The c.595C>G variant is not present in EVS. The variant is present in 1000 Genomes, gnomAD, Indian Exome Database and our internal database at low frequencies. This variant has neither been published in the literature for BMP6-related conditions nor reported to clinical databases like HGMD, ClinVar or OMIM in any affected individuals. Predictions from different in-silico pathogenicity prediction programs like SIFT, Polyphen-2, MutationTaster2021, CADD etc are contradictory. BMP6 variants have often been reported in patients harbouring the HFE c.187C>G variant [Daher et al., 2016; Piubelli et al. 2017; Alvarenga et al., 2020].

NM_001718.6(BMP6):c.595C>G (p.Pro199Ala)

Gene: BMP6 (bone morphogenetic protein 6; plus strand). Cytogenetic location: 6p24.3.
Variant type: single nucleotide variant.
Coding change: c.595C>G on transcript NM_001718.6 (MANE Select); coding-DNA position 595, C replaced by G.
Protein change: p.Pro199Ala; replaces proline 199 with alanine.
Molecular consequence: missense variant.
Genome position (GRCh38, 1-based): chr6:7,727,550, C>G. VCF-style: chr6-7727550-C-G. GRCh37 (hg19) VCF-style: chr6-7727783-C-G.
Other names: short protein forms P199A.
Identifiers: ClinVar variation 4070946 (VCV004070946.1).